The following is an entry in ClinVar:

ClinVar aggregate classification (germline): Uncertain significance (1 of 4 stars; one submission).

Conditions:
Hereditary cancer-predisposing syndrome. Also called: Hereditary Cancer Syndrome; Hereditary neoplastic syndrome; Neoplastic Syndromes, Hereditary; Tumor predisposition. Identifiers: Orphanet 140162, MedGen C0027672, MeSH D009386, MONDO:0015356.

Submission:

Ambry Genetics
Classification: Uncertain significance for Hereditary cancer-predisposing syndrome. Last evaluated: 2018-08-30. Review status: criteria provided, single submitter. Criteria: Ambry Autosomal Dominant and X-Linked criteria (3/2017). Collection method: clinical testing. Allele origin: germline. Observed: 1 variant allele.
Comment: The EX12_15dup gross duplication spans coding exons 12 through 15 in the BRCA1 gene; however, the exact breakpoints of the duplication were not determined. Gene duplications would be anticipated to disrupt gene function; however, it is unclear whether this duplication is disruptive to the BRCA1 gene. It is unknown if this duplication is located adjacent to the original BRCA1 gene, or if it is located elsewhere in the genome (Mazzarella R and Schlessinger D. Genome Res. 1998 Oct;8:1007-21). Since supporting evidence is limited at this time, the clinical significance of this alteration remains unclear.

NM_007294.3:c.(4357+1_4358-1)_(5074+1_5075-1)dup

Gene: BRCA1 (BRCA1 DNA repair associated; minus strand).
Variant type: Duplication.
Identifiers: ClinVar variation 1065538 (VCV001065538.2).